The following is an entry in ClinVar:

ClinVar aggregate classification (germline): Uncertain significance (1 of 4 stars; one submission).

Conditions:
Peroxisome biogenesis disorder. Identifiers: Orphanet 79189, MedGen C1832200, MONDO:0019234. Disease mechanism: loss of function.

gnomAD v4.1: 3 of 1,614,170 alleles (0.00019%); highest among the groups gnomAD compares: East Asian, 0.0045%; no homozygotes.

Submission:

Labcorp Genetics (formerly Invitae), Labcorp
Classification: Uncertain significance for Peroxisome biogenesis disorder. Last evaluated: 2022-03-23. Review status: criteria provided, single submitter. Criteria: Invitae Variant Classification Sherloc (09022015). Collection method: clinical testing. Allele origin: germline.
Comment: This sequence change replaces asparagine, which is neutral and polar, with serine, which is neutral and polar, at codon 280 of the PEX6 protein (p.Asn280Ser). This variant is present in population databases (rs747057026, gnomAD 0.006%). This variant has not been reported in the literature in individuals affected with PEX6-related conditions. Algorithms developed to predict the effect of missense changes on protein structure and function are either unavailable or do not agree on the potential impact of this missense change (SIFT: "Tolerated"; PolyPhen-2: "Probably Damaging"; Align-GVGD: "Class C0"). Algorithms developed to predict the effect of sequence changes on RNA splicing suggest that this variant may create or strengthen a splice site. In summary, the available evidence is currently insufficient to determine the role of this variant in disease. Therefore, it has been classified as a Variant of Uncertain Significance.

NM_000287.4(PEX6):c.839A>G (p.Asn280Ser)

Gene: PEX6 (peroxisomal biogenesis factor 6; minus strand). Cytogenetic location: 6p21.1.
Variant type: single nucleotide variant.
Coding change: c.839A>G on transcript NM_000287.4 (MANE Select); coding-DNA position 839, A replaced by G.
Protein change: p.Asn280Ser; replaces asparagine 280 with serine.
Molecular consequence: missense variant. On other transcripts: non-coding transcript variant (1), intron variant (1).
Genome position (GRCh38, 1-based): chr6:42,978,312, T>C on the plus strand (A>G on the coding strand, the complement: PEX6 is on the minus strand). VCF-style: chr6-42978312-T-C. GRCh37 (hg19) VCF-style: chr6-42946050-T-C.
Other names: c.618+221A>G (NM_001316313.2); short protein forms N280S.
Identifiers: ClinVar variation 2180882 (VCV002180882.1), dbSNP rs747057026, ClinGen allele CA3811553.
Genomic context (GRCh38, chr6:42,978,312, plus strand): 5'-CCAGTCCTTTATCCTACCTGAATTCTGAGCTCTCCCATTTCCAGGGGGTCACAGCCAAGA[T>C]TAAAAGCCAAAGTGGCAGGGACAAGCGCCAGTCCGTCAGCGAGGGGCTCTCCCAGCGGTC-3'
Protein context (NP_000278.3, residues 270-290): LALVPATLAF[Asn280Ser]LGCDPLEMGE